The following is an entry in ClinVar:

ClinVar aggregate classification (germline): Likely pathogenic (1 of 4 stars; one submission).

Conditions:
Retinitis pigmentosa 11 (RP11). Identifiers: Orphanet 791, MedGen C1838601, MONDO:0010828, OMIM 600138.

Submission:

3billion
Classification: Likely pathogenic for Retinitis pigmentosa 11. Last evaluated: 2025-06-12. Review status: criteria provided, single submitter. Criteria: ACMG Guidelines, 2015. Collection method: clinical testing. Allele origin: germline. Affected: yes.
Comment: The variant is not observed in the gnomAD v4.1.0 dataset. Predicted Consequence/Location: Frameshift: predicted to result in a loss or disruption of normal protein function through nonsense-mediated decay (NMD) or protein truncation. Multiple pathogenic variants are reported downstream of the variant. Therefore, this variant is classified as Likely pathogenic according to the recommendation of ACMG/AMP guideline.

NM_015629.4(PRPF31):c.199del (p.Ile67fs)

Gene: PRPF31 (pre-mRNA processing factor 31; plus strand). Cytogenetic location: 19q13.42.
Variant type: Deletion.
Coding change: c.199del on transcript NM_015629.4 (MANE Select); coding-DNA position 199, one base deleted (A; older notation c.199delA).
Protein change: p.Ile67fs; shifts the reading frame from isoleucine 67.
Molecular consequence: frameshift variant.
Genome position (GRCh38, 1-based): chr19:54,118,594, A deleted. VCF-style (leftmost placement, unchanged base first): chr19-54118593-GA-G. GRCh37 (hg19) VCF-style: chr19-54621973-GA-G.
Other names: short protein forms I67fs.
Identifiers: ClinVar variation 4855673 (VCV004855673.1).